The following is an entry in ClinVar:

NM_000406.3(GNRHR):c.351_352del (p.Ser118fs)

Gene: GNRHR (gonadotropin releasing hormone receptor; minus strand). Cytogenetic location: 4q13.2.
Variant type: Deletion.
Coding change: c.351_352del on transcript NM_000406.3 (MANE Select); coding-DNA positions 351 to 352, 2 bases deleted (CA; older notation c.351_352delCA).
Protein change: p.Ser118fs; shifts the reading frame from serine 118.
Molecular consequence: frameshift variant.
Genome position (GRCh38, 1-based): chr4:67,753,984-67,753,985, TG deleted on the plus strand (CA on the coding strand, the reverse complement: GNRHR is on the minus strand). VCF-style (leftmost placement, unchanged base first): chr4-67753983-CTG-C. GRCh37 (hg19) VCF-style: chr4-68619701-CTG-C.
Other names: c.351_352del, p.Ser118fs (NM_001012763.2); short protein forms S118fs.
Identifiers: ClinVar variation 2825275 (VCV002825275.4), dbSNP rs2475804586, ClinGen allele CA2739270081.

ClinVar aggregate classification (germline): Pathogenic/Likely pathogenic. Review status: criteria provided, multiple submitters, no conflicts (2 of 4 stars). 2 submissions from 2 submitters: Pathogenic (1); Likely pathogenic (1). Last evaluated 2024-03-27.

Conditions:
Isolated congenital hypogonadotropic hypogonadism. Also called: IDIOPATHIC HYPOGONADOTROPIC HYPOGONADISM; Isolated Gonadotropin-Releasing Hormone (GnRH) Deficiency. Identifiers: Orphanet 238666, MedGen C5679849, MONDO:0016553.

Submissions (2):

Laboratory for Molecular Medicine, Mass General Brigham Personalized Medicine
Classification: Likely pathogenic for Isolated congenital hypogonadotropic hypogonadism. Last evaluated: 2024-03-27. Review status: criteria provided, single submitter. Criteria: ACMG Guidelines, 2015. Collection method: clinical testing. Allele origin: germline. Inheritance: Autosomal recessive inheritance.
Comment: The p.Ser118LeufsX50 variant in GNRHR has not been previously reported in individuals with hypogonadotropic hypogonadism nor in large population studies (gnomAD, v4.0.0). This variant is predicted to cause a frameshift, which alters the protein’s amino acid sequence beginning at position 118 and leads to a premature termination codon 50 amino acids downstream. This alteration is then predicted to lead to a truncated or absent protein. Biallelic loss of function of the GNRHR gene is an established disease mechanism in autosomal recessive hypogonadotropic hypogonadism. In summary, although additional studies are required to fully establish its clinical significance, this variant meets criteria to be classified as likely pathogenic for autosomal recessive hypogonadotropic hypogonadism. ACMG/AMP Criteria applied: PVS1, PM2_Supporting.

Labcorp Genetics (formerly Invitae), Labcorp
Classification: Pathogenic. Last evaluated: 2022-12-31. Review status: criteria provided, single submitter. Criteria: Invitae Variant Classification Sherloc (09022015). Collection method: clinical testing. Allele origin: germline.
Comment: This variant has not been reported in the literature in individuals affected with GNRHR-related conditions. This variant is not present in population databases (gnomAD no frequency). This sequence change creates a premature translational stop signal (p.Ser118Leufs*50) in the GNRHR gene. It is expected to result in an absent or disrupted protein product. Loss-of-function variants in GNRHR are known to be pathogenic (PMID: 12050282, 22745237). For these reasons, this variant has been classified as Pathogenic.

Literature cited by the submitters: PubMed 12050282 (cited by Labcorp Genetics (formerly Invitae), Labcorp); PubMed 22745237 (cited by Labcorp Genetics (formerly Invitae), Labcorp).